The following is an entry in ClinVar:

NM_000245.4(MET):c.1998C>G (p.Tyr666Ter)

Gene: MET (MET proto-oncogene, receptor tyrosine kinase; plus strand). Cytogenetic location: 7q31.2.
Variant type: single nucleotide variant.
Coding change: c.1998C>G on transcript NM_000245.4 (MANE Select); coding-DNA position 1998, C replaced by G.
Protein change: p.Tyr666Ter; replaces tyrosine 666 with a stop codon.
Molecular consequence: nonsense.
Genome position (GRCh38, 1-based): chr7:116,757,670, C>G. VCF-style: chr7-116757670-C-G. GRCh37 (hg19) VCF-style: chr7-116397724-C-G.
Other names: c.1998C>G, p.Tyr666Ter (NM_001127500.3, NM_001324401.3); c.708C>G, p.Tyr236Ter (NM_001324402.2); short protein forms Y236*, Y666*.
Identifiers: ClinVar variation 1784092 (VCV001784092.7), dbSNP rs566540058, ClinGen allele CA368979693.

ClinVar aggregate classification (germline): Uncertain significance. Review status: criteria provided, multiple submitters, no conflicts (2 of 4 stars). 2 submissions from 2 submitters: Uncertain significance (2). Last evaluated 2025-08-19.

Conditions:
Renal cell carcinoma. Identifiers: Orphanet 217071, MedGen C0007134, MeSH D002292, MONDO:0005086, HP:0005584.
Hereditary cancer-predisposing syndrome. Also called: Neoplastic Syndromes, Hereditary; Tumor predisposition; Hereditary Cancer Syndrome; Hereditary neoplastic syndrome. Identifiers: Orphanet 140162, MedGen C0027672, MeSH D009386, MONDO:0015356.

gnomAD v4.1: 1 of 1,613,894 alleles (0.000062%); highest among the groups gnomAD compares: Non-Finnish European, 0.000085%; no homozygotes.

Submissions (2):

Ambry Genetics
Classification: Uncertain significance for Hereditary cancer-predisposing syndrome. Last evaluated: 2025-08-19. Review status: criteria provided, single submitter. Criteria: Ambry Variant Classification Scheme 2023. Collection method: clinical testing. Allele origin: germline.
Comment: The p.Y666* variant (also known as c.1998C>G), located in coding exon 7 of the MET gene, results from a C to G substitution at nucleotide position 1998. This changes the amino acid from a tyrosine to a stop codon within coding exon 7. This alteration is expected to result in premature protein truncation or nonsense-mediated mRNA decay. However, loss of function of MET has not been clearly established as a mechanism of disease. Since supporting evidence is limited at this time, the clinical significance of this alteration remains unclear.

Labcorp Genetics (formerly Invitae), Labcorp
Classification: Uncertain significance for Renal cell carcinoma. Last evaluated: 2025-05-05. Review status: criteria provided, single submitter. Criteria: Invitae Variant Classification Sherloc (09022015). Collection method: clinical testing. Allele origin: germline.
Comment: This sequence change creates a premature translational stop signal (p.Tyr666*) in the MET gene. It is expected to result in an absent or disrupted protein product. However, the current clinical and genetic evidence is not sufficient to establish whether loss-of-function variants in MET cause disease. This variant is not present in population databases (gnomAD no frequency). This variant has not been reported in the literature in individuals affected with MET-related conditions. ClinVar contains an entry for this variant (Variation ID: 1784092). In summary, the available evidence is currently insufficient to determine the role of this variant in disease. Therefore, it has been classified as a Variant of Uncertain Significance.